The following is an entry in ClinVar:

NM_001142800.2(EYS):c.8793_8796del (p.Gln2931fs)

Genes: EYS (EGF-like photoreceptor maintenance factor; minus strand), PHF3 (PHD finger protein 3; plus strand). Cytogenetic location: 6q12.
Variant type: Deletion.
Coding change: c.8793_8796del on transcript NM_001142800.2 (MANE Select); coding-DNA positions 8793 to 8796, 4 bases deleted (ATCA; older notation c.8793_8796delATCA).
Protein change: p.Gln2931fs; shifts the reading frame from glutamine 2931.
Molecular consequence: frameshift variant. On other transcripts: 3 prime UTR variant (5).
Genome position (GRCh38, 1-based): chr6:63,721,235-63,721,238, TGAT deleted on the plus strand (ATCA on the coding strand, the reverse complement: EYS is on the minus strand); deleting any 4 consecutive bases within chr6:63,721,235-63,721,240 gives the same sequence; the c. name uses the placement nearest the transcript's 3' end. VCF-style (leftmost placement, unchanged base first): chr6-63721234-ATGAT-A. GRCh37 (hg19) VCF-style: chr6-64431130-ATGAT-A.
Other names: c.8793_8796del (NM_001142800.1); c.8793_8796delATCA (NM_001142800.2); c.*7529_*7532del (NM_001290259.2, NM_001370348.2, NM_001370349.2 and 2 more transcripts); c.8856_8859del, p.Gln2952fs (NM_001292009.2); short protein forms Q2952fs, Q2931fs.
Identifiers: ClinVar variation 493434 (VCV000493434.55), dbSNP rs1554163919, ClinGen allele CA658683447.

ClinVar aggregate classification (germline): Conflicting classifications of pathogenicity. Review status: criteria provided, conflicting classifications (1 of 4 stars). 10 submissions from 10 submitters: Pathogenic (6); Likely pathogenic (2); Uncertain significance (1). 1 of the submissions does not count toward it. Last evaluated 2025-12-03.

Conditions:
EYS-related disorder. Also called: EYS-related condition.
Retinitis pigmentosa (RP). Identifiers: Orphanet 791, MedGen C0035334, MeSH D012174, MONDO:0019200, OMIM 268000. Inheritance: Autosomal dominant, autosomal recessive and X linked inheritance.
Retinitis pigmentosa 25 (RP25). Identifiers: Orphanet 791, MedGen C1864446, MONDO:0011272, OMIM 602772.
Retinal dystrophy. Also called: Inherited retinal dystrophy. Identifiers: Orphanet 71862, MedGen C0854723, MeSH D058499, MONDO:0019118, HP:0000556.

Submissions (10):

Labcorp Genetics (formerly Invitae), Labcorp
Classification: Pathogenic. Last evaluated: 2025-12-03. Review status: criteria provided, single submitter. Criteria: Invitae Variant Classification Sherloc (09022015). Collection method: clinical testing. Allele origin: germline.
Comment: This sequence change creates a premature translational stop signal (p.Gln2931Hisfs*43) in the EYS gene. While this is not anticipated to result in nonsense mediated decay, it is expected to disrupt the last 214 amino acid(s) of the EYS protein. This variant is not present in population databases (gnomAD no frequency). This premature translational stop signal has been observed in individual(s) with retinitis pigmentosa (PMID: 30543658). ClinVar contains an entry for this variant (Variation ID: 493434). This variant disrupts a region of the EYS protein in which other variant(s) (p.Tyr3135*) have been determined to be pathogenic (PMID: 18976725, 29159838, 30337596, 31074760). This suggests that this is a clinically significant region of the protein, and that variants that disrupt it are likely to be disease-causing. For these reasons, this variant has been classified as Pathogenic.

Natera, Inc.
Classification: Pathogenic for Retinitis pigmentosa type 25. Last evaluated: 2025-09-30. Review status: criteria provided, single submitter. Criteria: Natera Variant Classification Schema (03/2026). Collection method: clinical testing. Allele origin: germline.
Comment: The c.8793_8796delATCA variant in EYS is a frameshift variant predicted to shift the reading frame beginning at codon 2931 and leads to a stop codon 43 codons downstream. This variant is expected to result in nonsense mediated decay, truncation, or a dysfunctional protein product. This variant is rare in the general population with a frequency below the threshold expected for the associated phenotype(s). This variant has been observed in one or more individuals affected with the associated recessive disease, as either homozygous or compound heterozygous with a second variant (PMID: 32531858, 36819107). Given the available evidence, this variant is classified as Pathogenic.

Baylor Genetics
Classification: Pathogenic for Retinitis pigmentosa 25. Last evaluated: 2023-12-03. Review status: criteria provided, single submitter. Criteria: ACMG Guidelines, 2015. Collection method: clinical testing. Allele origin: unknown.

Dept Of Ophthalmology, Nagoya University
Classification: Uncertain significance for Retinal dystrophy. Last evaluated: 2023-10-01. Review status: criteria provided, single submitter. Criteria: Submitter's publication. Collection method: research. Allele origin: germline. Affected: yes.

Institute of Human Genetics, Univ. Regensburg, Univ. Regensburg
Classification: Likely pathogenic for Retinal dystrophy. Last evaluated: 2023-01-01. Review status: criteria provided, single submitter. Criteria: ACMG Guidelines, 2015. Collection method: clinical testing. Allele origin: germline. Affected: yes.

Blueprint Genetics
Classification: Pathogenic for EYS-related disorders. Last evaluated: 2022-06-01. Review status: criteria provided, single submitter. Criteria: ACMG Guidelines, 2015. Collection method: clinical testing. Allele origin: germline. Affected: yes. Observed: 5 variant alleles.

Molecular Genetics Laboratory, Institute for Ophthalmic Research
Classification: Pathogenic for Retinitis pigmentosa. Last evaluated: 2020-01-09. Review status: criteria provided, single submitter. Criteria: ACMG Guidelines, 2015. Collection method: research. Allele origin: germline. Affected: yes.

CeGaT Center for Human Genetics Tuebingen
Classification: Likely pathogenic. Last evaluated: 2017-10-01. Review status: criteria provided, single submitter. Criteria: CeGaT Center For Human Genetics Tuebingen Variant Classification Criteria Version 2. Collection method: clinical testing. Allele origin: germline. Affected: yes. Observed: 1 variant allele.

Kariminejad - Najmabadi Pathology & Genetics Center
Classification: Pathogenic for Retinitis pigmentosa 25. Review status: criteria provided, single submitter. Criteria: ACMG Guidelines, 2015. Collection method: clinical testing. Allele origin: germline. Affected: no.

Bioscientia Institut fuer Medizinische Diagnostik GmbH, Sonic Healthcare
Classification: Pathogenic for Retinitis pigmentosa 25. Last evaluated: 2018-04-30. Review status: no assertion criteria provided. Collection method: clinical testing. Allele origin: germline. Affected: yes. Not counted in ClinVar's aggregate classification.

Literature cited by the submitters: PubMed 30543658 (cited by Labcorp Genetics (formerly Invitae), Labcorp and Institute of Human Genetics, Univ. Regensburg, Univ. Regensburg); PubMed 18976725 (cited by Labcorp Genetics (formerly Invitae), Labcorp); PubMed 29159838 (cited by Labcorp Genetics (formerly Invitae), Labcorp); PubMed 30337596 (cited by Labcorp Genetics (formerly Invitae), Labcorp); PubMed 31074760 (cited by Labcorp Genetics (formerly Invitae), Labcorp); PubMed 32531858 (cited by Natera, Inc. and Institute of Human Genetics, Univ. Regensburg, Univ. Regensburg); PubMed 36819107 (cited by Natera, Inc. and Institute of Human Genetics, Univ. Regensburg, Univ. Regensburg); PubMed 34315337 (cited by Institute of Human Genetics, Univ. Regensburg, Univ. Regensburg); PubMed 34426522 (cited by Institute of Human Genetics, Univ. Regensburg, Univ. Regensburg).